The following is an entry in ClinVar:

ClinVar aggregate classification (germline): Uncertain significance (1 of 4 stars; one submission).

Conditions:
Charcot-Marie-Tooth disease axonal type 2O. Also called: CHARCOT-MARIE-TOOTH NEUROPATHY, AXONAL, TYPE 2O; CHARCOT-MARIE-TOOTH DISEASE, AXONAL, AUTOSOMAL DOMINANT, TYPE 2O; Charcot-Marie-Tooth disease, axonal, type 20; Charcot-Marie-Tooth Neuropathy Type 2O. Identifiers: Orphanet 284232, MedGen C3280220, MONDO:0013644, OMIM 614228.

Allele frequency attached by ClinVar (database versions not stated): gnomAD exomes below 0.00001; TOPMed below 0.00001; ExAC 0.00001.

Submission:

Labcorp Genetics (formerly Invitae), Labcorp
Classification: Uncertain significance for Charcot-Marie-Tooth disease axonal type 2O. Last evaluated: 2023-08-17. Review status: criteria provided, single submitter. Criteria: Invitae Variant Classification Sherloc (09022015). Collection method: clinical testing. Allele origin: germline.
Comment: This sequence change replaces arginine, which is basic and polar, with cysteine, which is neutral and slightly polar, at codon 3607 of the DYNC1H1 protein (p.Arg3607Cys). This variant is not present in population databases (gnomAD no frequency). This variant has not been reported in the literature in individuals affected with DYNC1H1-related conditions. ClinVar contains an entry for this variant (Variation ID: 1515133). Advanced modeling of protein sequence and biophysical properties (such as structural, functional, and spatial information, amino acid conservation, physicochemical variation, residue mobility, and thermodynamic stability) performed at Invitae indicates that this missense variant is expected to disrupt DYNC1H1 protein function. In summary, the available evidence is currently insufficient to determine the role of this variant in disease. Therefore, it has been classified as a Variant of Uncertain Significance.

NM_001376.5(DYNC1H1):c.10819C>T (p.Arg3607Cys)

Gene: DYNC1H1 (dynein cytoplasmic 1 heavy chain 1; plus strand). Cytogenetic location: 14q32.31.
Variant type: single nucleotide variant.
Coding change: c.10819C>T on transcript NM_001376.5 (MANE Select); coding-DNA position 10819, C replaced by T.
Protein change: p.Arg3607Cys; replaces arginine 3607 with cysteine.
Molecular consequence: missense variant.
Genome position (GRCh38, 1-based): chr14:102,036,553, C>T. VCF-style: chr14-102036553-C-T. GRCh37 (hg19) VCF-style: chr14-102502890-C-T.
Other names: short protein forms R3607C.
Identifiers: ClinVar variation 1515133 (VCV001515133.8), dbSNP rs773374068, ClinGen allele CA7353487.
Genomic context (GRCh38, chr14:102,036,553, plus strand): 5'-CCGCTGATCATTGACCCCTCTGGACAGGCCACAGAATTCATTATGAATGAATATAAGGAT[C>T]GTAAGATCACACGGACCAGCTTCCTGGATGACGCCTTCAGAAAGAACTTAGAGAGTGCAC-3'
Protein context (NP_001367.2, residues 3597-3617): TEFIMNEYKD[Arg3607Cys]KITRTSFLDD